The following is an entry in ClinVar:

NM_152381.6(XIRP2):c.6883C>T (p.Pro2295Ser)

Gene: XIRP2 (xin actin binding repeat containing 2; plus strand). Cytogenetic location: 2q24.3.
Variant type: single nucleotide variant.
Coding change: c.6883C>T on transcript NM_152381.6 (MANE Select); coding-DNA position 6883, C replaced by T.
Protein change: p.Pro2295Ser; replaces proline 2295 with serine.
Molecular consequence: missense variant. On other transcripts: intron variant (3).
Genome position (GRCh38, 1-based): chr2:167,248,275, C>T. VCF-style: chr2-167248275-C-T. GRCh37 (hg19) VCF-style: chr2-168104785-C-T.
Other names: c.6217C>T, p.Pro2073Ser (NM_001199144.2); c.1276-5757C>T (NM_001199143.2); c.1177-5757C>T (NM_001079810.4); c.511-5757C>T (NM_001199145.2); short protein forms P2295S, P2073S.
Identifiers: ClinVar variation 930570 (VCV000930570.4), dbSNP rs764391703, ClinGen allele CA1947501.

ClinVar aggregate classification (germline): Uncertain significance. Review status: criteria provided, multiple submitters, no conflicts (2 of 4 stars). 2 submissions from 2 submitters: Uncertain significance (2). Last evaluated 2025-08-27.

Allele frequency attached by ClinVar (database versions not stated): ExAC 0.00002; gnomAD exomes 0.00002; TOPMed 0.00002; gnomAD 0.00003.
gnomAD v4.1: 29 of 1,613,660 alleles (0.0018%); highest among the groups gnomAD compares: South Asian, 0.0022%; no homozygotes.

Submissions (2):

Ambry Genetics
Classification: Uncertain significance. Last evaluated: 2025-08-27. Review status: criteria provided, single submitter. Criteria: Ambry Variant Classification Scheme 2023. Collection method: clinical testing. Allele origin: germline.

Centre for Mendelian Genomics, University Medical Centre Ljubljana
Classification: Uncertain significance. Last evaluated: 2019-08-27. Review status: criteria provided, single submitter. Criteria: ACMG Guidelines, 2015. Collection method: clinical testing. Allele origin: unknown. Affected: yes.
Comment: This variant was classified as: Uncertain significance. The available evidence on this variant's pathogenicity is insufficient or conflicting. The following ACMG criteria were applied in classifying this variant: PP3. This variant was detected in homozygous state.